The following is an entry in ClinVar:

NM_001267550.2(TTN):c.104152A>G (p.Lys34718Glu)

Genes: TTN-AS1 (TTN antisense RNA 1; plus strand), TTN (titin; minus strand). Cytogenetic location: 2q31.2.
Variant type: single nucleotide variant.
Coding change: c.104152A>G on transcript NM_001267550.2 (MANE Select); coding-DNA position 104152, A replaced by G.
Protein change: p.Lys34718Glu; replaces lysine 34718 with glutamic acid.
Molecular consequence: missense variant.
Genome position (GRCh38, 1-based): chr2:178,532,463, T>C on the plus strand (A>G on the coding strand, the complement: TTN is on the minus strand). VCF-style: chr2-178532463-T-C. GRCh37 (hg19) VCF-style: chr2-179397190-T-C.
Other names: c.99229A>G, p.Lys33077Glu (NM_001256850.1); c.76957A>G, p.Lys25653Glu (NM_003319.4); c.96448A>G, p.Lys32150Glu (NM_133378.4); c.77332A>G, p.Lys25778Glu (NM_133432.3); c.77533A>G, p.Lys25845Glu (NM_133437.4); short protein forms K25653E, K25778E, K25845E, K32150E, K33077E, K34718E.
Identifiers: ClinVar variation 3751830 (VCV003751830.2).

ClinVar aggregate classification (germline): Uncertain significance (1 of 4 stars; one submission).

Conditions:
Autosomal recessive limb-girdle muscular dystrophy type 2J (LGMDR10). Also called: Limb-girdle muscular dystrophy, type 2J; MUSCULAR DYSTROPHY, LIMB-GIRDLE, AUTOSOMAL RECESSIVE 10. Identifiers: Orphanet 140922, MedGen C1837342, MONDO:0012127, OMIM 608807.
Dilated cardiomyopathy 1G (CMD1G). Identifiers: Orphanet 154, MedGen C1858763, MONDO:0011400, OMIM 604145.

Submission:

Labcorp Genetics (formerly Invitae), Labcorp
Classification: Uncertain significance for Dilated cardiomyopathy 1G; Autosomal recessive limb-girdle muscular dystrophy type 2J. Last evaluated: 2024-02-25. Review status: criteria provided, single submitter. Criteria: Invitae Variant Classification Sherloc (09022015). Collection method: clinical testing. Allele origin: germline.
Comment: This sequence change replaces lysine, which is basic and polar, with glutamic acid, which is acidic and polar, at codon 34718 of the TTN protein (p.Lys34718Glu). This variant is not present in population databases (gnomAD no frequency). This variant has not been reported in the literature in individuals affected with TTN-related conditions. Experimental studies and prediction algorithms are not available or were not evaluated, and the functional significance of this variant is currently unknown. This variant is located in the M band of TTN (PMID: 25589632). Non-truncating variants in this region may be relevant for neuromuscular disorders, but have not been definitively shown to cause cardiomyopathy (PMID: 23975875). In summary, the available evidence is currently insufficient to determine the role of this variant in disease. Therefore, it has been classified as a Variant of Uncertain Significance.

Literature cited by the submitters: PubMed 25589632; PubMed 23975875.